The following is an entry in ClinVar:

NM_001853.4(COL9A3):c.1093G>A (p.Glu365Lys)

Gene: COL9A3 (collagen type IX alpha 3 chain; plus strand). Cytogenetic location: 20q13.33.
Variant type: single nucleotide variant.
Coding change: c.1093G>A on transcript NM_001853.4 (MANE Select); coding-DNA position 1093, G replaced by A.
Protein change: p.Glu365Lys; replaces glutamic acid 365 with lysine.
Molecular consequence: missense variant.
Genome position (GRCh38, 1-based): chr20:62,829,667, G>A. VCF-style: chr20-62829667-G-A. GRCh37 (hg19) VCF-style: chr20-61461019-G-A.
Other names: short protein forms E365K.
Identifiers: ClinVar variation 4803138 (VCV004803138.1).

ClinVar aggregate classification (germline): Uncertain significance (1 of 4 stars; one submission).

gnomAD v4.1: 4 of 1,609,496 alleles (0.00025%); highest among the groups gnomAD compares: Non-Finnish European, 0.00034%; no homozygotes.

Submission:

Labcorp Genetics (formerly Invitae), Labcorp
Classification: Uncertain significance. Last evaluated: 2025-07-21. Review status: criteria provided, single submitter. Criteria: Invitae Variant Classification Sherloc (09022015). Collection method: clinical testing. Allele origin: germline.
Comment: This sequence change replaces glutamic acid, which is acidic and polar, with lysine, which is basic and polar, at codon 365 of the COL9A3 protein (p.Glu365Lys). This variant is not present in population databases (gnomAD no frequency). This variant has not been reported in the literature in individuals affected with COL9A3-related conditions. Invitae Evidence Modeling of protein sequence and biophysical properties (such as structural, functional, and spatial information, amino acid conservation, physicochemical variation, residue mobility, and thermodynamic stability) indicates that this missense variant is not expected to disrupt COL9A3 protein function with a negative predictive value of 95%. In summary, the available evidence is currently insufficient to determine the role of this variant in disease. Therefore, it has been classified as a Variant of Uncertain Significance.